The following is an entry in ClinVar:

NM_002055.5(GFAP):c.247T>A (p.Tyr83Asn)

Gene: GFAP (glial fibrillary acidic protein; minus strand). Cytogenetic location: 17q21.31.
Variant type: single nucleotide variant.
Coding change: c.247T>A on transcript NM_002055.5 (MANE Select); coding-DNA position 247, T replaced by A.
Protein change: p.Tyr83Asn; replaces tyrosine 83 with asparagine.
Molecular consequence: missense variant.
Genome position (GRCh38, 1-based): chr17:44,915,240, A>T on the plus strand (T>A on the coding strand, the complement: GFAP is on the minus strand). VCF-style: chr17-44915240-A-T. GRCh37 (hg19) VCF-style: chr17-42992608-A-T.
Other names: NM_002055.5(GFAP):c.247T>A; p.Tyr83Asn; c.247T>A, p.Tyr83Asn (NM_001131019.3, NM_001242376.3, NM_001363846.2); short protein forms Y83N.
Identifiers: ClinVar variation 1810011 (VCV001810011.2), dbSNP rs267607506, ClinGen allele CA291034264.

ClinVar aggregate classification (germline): Uncertain significance. Review status: reviewed by expert panel (3 of 4 stars). 2 submissions from 2 submitters: Uncertain significance (1). 1 of the submissions does not count toward it. Last evaluated 2026-08-18.

Conditions:
Alexander disease (ALXDRD). Also called: Alexander's disease. Identifiers: Orphanet 58, MedGen C0270726, MONDO:0008752, OMIM 203450.

Allele frequency attached by ClinVar (database versions not stated): gnomAD 0.00001; TOPMed 0.00002; gnomAD exomes below 0.00001.

Submissions (2):

ClinGen Leukodystrophy and Leukoencephalopathy Variant Curation Expert Panel, ClinGen
Classification: Uncertain significance for Alexander disease. Last evaluated: 2026-08-18. Review status: reviewed by expert panel. Criteria: ClinGen Leuko ACMG Specifications GFAP V1.0. Collection method: curation. Allele origin: germline. Inheritance: Autosomal dominant inheritance.
Comment: The NM_002055.5(GFAP):c.247T>A, variant in GFAP is a missense variant predicited to cause a substitution of tyrosine by asparagine at amino acid 83 (p.Tyr83Asn). This variant resides within a region, amino acids 59 - 88, of GFAP that is defined as a region with significant missense constraint by the ClinGen Leukodystrophy and Leukoencephalopathy Expert Panel Specifications to the ACMG/AMP Variant Interpretation Guidelines for GFAP Version 1.0.0 (PM1). The GrpMax filtering allele frequency in gnomAD v4.1.1 is [0.0000175] from the African/African-American genetic ancestry group (the lower threshold of the 95% CI of 4/1614086 alleles), which is higher than the ClinGen Leukodystrophy and Leukoencephalopathy Expert Panel Specifications to the ACMG/AMP Variant Interpretation Guidelines for GFAP Version 1.0.0 threshold ≥ 0.001% for BS1, and therefore meets this criterion (BS1). In summary, this variant meets the criteria to be classified as variant of uncertain significance based on the ACMG/AMP criteria applied, as specified by the ClinGen Leukodystrophy and Leukoencephalopathy VCEP: PM1, BS1 (ClinGen Leukodystrophy and Leukoencephalopathy VCEP Specifications Version 1.0.0).

GeneDx
Classification: Uncertain significance. Last evaluated: 2022-06-28. Review status: criteria provided, single submitter. Criteria: GeneDx Variant Classification Process June 2021. Collection method: clinical testing. Allele origin: germline. Affected: yes. Not counted in ClinVar's aggregate classification.
Comment: In silico analysis supports that this missense variant has a deleterious effect on protein structure/function; Has not been previously published as pathogenic or benign to our knowledge